The following is an entry in ClinVar:

ClinVar aggregate classification (germline): Uncertain significance (1 of 4 stars; one submission).

Conditions:
Autosomal recessive limb-girdle muscular dystrophy type 2J (LGMDR10). Also called: Limb-girdle muscular dystrophy, type 2J; MUSCULAR DYSTROPHY, LIMB-GIRDLE, AUTOSOMAL RECESSIVE 10. Identifiers: Orphanet 140922, MedGen C1837342, MONDO:0012127, OMIM 608807.
Dilated cardiomyopathy 1G (CMD1G). Identifiers: Orphanet 154, MedGen C1858763, MONDO:0011400, OMIM 604145.

gnomAD v4.1: 1 of 1,558,828 alleles (0.000064%); highest among the groups gnomAD compares: East Asian, 0.0024%; no homozygotes.

Submission:

Labcorp Genetics (formerly Invitae), Labcorp
Classification: Uncertain significance for Dilated cardiomyopathy 1G; Autosomal recessive limb-girdle muscular dystrophy type 2J. Last evaluated: 2024-10-24. Review status: criteria provided, single submitter. Criteria: Invitae Variant Classification Sherloc (09022015). Collection method: clinical testing. Allele origin: germline.
Comment: This sequence change replaces alanine, which is neutral and non-polar, with serine, which is neutral and polar, at codon 13470 of the TTN protein (p.Ala13470Ser). This variant also falls at the last nucleotide of exon 217, which is part of the consensus splice site for this exon. This variant is not present in population databases (gnomAD no frequency). This variant has not been reported in the literature in individuals affected with TTN-related conditions. Experimental studies and prediction algorithms are not available or were not evaluated, and the functional significance of this variant is currently unknown. Variants that disrupt the consensus splice site are a relatively common cause of aberrant splicing (PMID: 17576681, 9536098). Algorithms developed to predict the effect of sequence changes on RNA splicing suggest that this variant may disrupt the consensus splice site. This variant is located in the I band of TTN (PMID: 25589632). Variants in this region may be clinically relevant, but have not been definitively shown to cause cardiomyopathy or neuromuscular disease (PMID: 27493940, 32778822).“ In summary, the available evidence is currently insufficient to determine the role of this variant in disease. Therefore, it has been classified as a Variant of Uncertain Significance.

Literature cited by the submitters: PubMed 17576681; PubMed 9536098; PubMed 25589632; PubMed 27493940; PubMed 32778822.

NM_001267550.2(TTN):c.40408G>T (p.Ala13470Ser)

Gene: TTN (titin; minus strand). Cytogenetic location: 2q31.2.
Variant type: single nucleotide variant.
Coding change: c.40408G>T on transcript NM_001267550.2 (MANE Select); coding-DNA position 40408, G replaced by T.
Protein change: p.Ala13470Ser; replaces alanine 13470 with serine.
Molecular consequence: missense variant. On other transcripts: intron variant (3).
Genome position (GRCh38, 1-based): chr2:178,645,920, C>A on the plus strand (G>T on the coding strand, the complement: TTN is on the minus strand). VCF-style: chr2-178645920-C-A. GRCh37 (hg19) VCF-style: chr2-179510647-C-A.
Other names: c.35485G>T, p.Ala11829Ser (NM_001256850.1); c.32704G>T, p.Ala10902Ser (NM_133378.4); c.13283-3603G>T (NM_003319.4); c.13859-3603G>T (NM_133437.4); c.13658-3603G>T (NM_133432.3); short protein forms A10902S, A11829S, A13470S.
Identifiers: ClinVar variation 3752074 (VCV003752074.2).
Genomic context (GRCh38, chr2:178,645,920, plus strand): 5'-CAGATGGCTGGATAGAAGTTTGAAGCAGGCTAATAAAACTTTGGAAGTGGCATTTTTTAC[C>A]TTTAAGTTGGAATATTTTCTCCTTCACATCTTCCTTAGGTGGAGCAGGTGGAGGAGGTGG-3'
Protein context (NP_001254479.2, residues 13460-13480): DVKEKIFQLK[Ala13470Ser]IPKKKVPEKP